The following is an entry in ClinVar:

NM_000130.5(F5):c.3088C>T (p.Arg1030Ter)

Gene: F5 (coagulation factor V; minus strand). Cytogenetic location: 1q24.2.
Variant type: single nucleotide variant.
Coding change: c.3088C>T on transcript NM_000130.5 (MANE Select); coding-DNA position 3088, C replaced by T.
Protein change: p.Arg1030Ter; replaces arginine 1030 with a stop codon.
Molecular consequence: nonsense.
Genome position (GRCh38, 1-based): chr1:169,542,002, G>A on the plus strand (C>T on the coding strand, the complement: F5 is on the minus strand). VCF-style: chr1-169542002-G-A. GRCh37 (hg19) VCF-style: chr1-169511240-G-A.
Other names: short protein forms R1030*.
Identifiers: ClinVar variation 2734021 (VCV002734021.6), dbSNP rs780253174, ClinGen allele CA1233977.

ClinVar aggregate classification (germline): Pathogenic. Review status: criteria provided, multiple submitters, no conflicts (2 of 4 stars). 4 submissions from 4 submitters: Pathogenic (3). 1 of the submissions does not count toward it. Last evaluated 2025-10-27.

Conditions:
F5-related disorder. Also called: F5-related condition.
Congenital factor V deficiency. Also called: LABILE FACTOR DEFICIENCY; OWREN PARAHEMOPHILIA; PARAHEMOPHILIA; Hereditary factor V deficiency disease. Identifiers: Orphanet 326, MedGen C0015499, MONDO:0009210, OMIM 227400.
Ischemic stroke. Also called: CEREBROVASCULAR ACCIDENT; Ischemic stroke, susceptibility to. Identifiers: MedGen C0948008, MONDO:1060198, OMIM 601367, HP:0002140.
Thrombophilia due to activated protein C resistance (THPH2). Also called: PCCF DEFICIENCY; PROC COFACTOR DEFICIENCY; THROMBOPHILIA DUE TO DEFICIENCY OF ACTIVATED PROTEIN C COFACTOR; THROMBOPHILIA V; APC resistance; Activated protein C resistance. Identifiers: MedGen C1861171, MONDO:0008560, OMIM 188055. Disease mechanism: loss of function, gain of function.
Pregnancy loss, recurrent, susceptibility to, 1 (RPRGL1). Also called: EMBRYONIC LOSS, RECURRENT; MISCARRIAGE, RECURRENT; STILLBIRTH, RECURRENT; FETAL LOSS, RECURRENT, SUSCEPTIBILITY TO. Identifiers: MedGen C3280670, MONDO:0013727, OMIM 614389.
Budd-Chiari syndrome (BDCHS). Also called: Hepatic vein obstruction. Identifiers: Orphanet 131, MedGen C0856761, MONDO:0010947, OMIM 600880, HP:0002639.

Allele frequency attached by ClinVar (database versions not stated): gnomAD exomes below 0.00001; ExAC 0.00001; gnomAD 0.00005; TOPMed 0.00012.
gnomAD v4.1: 15 of 1,613,620 alleles (0.00093%); highest among the groups gnomAD compares: Admixed American, 0.01%; no homozygotes.

Submissions (4):

Dasa
Classification: Pathogenic. Last evaluated: 2025-10-27. Review status: criteria provided, single submitter. Criteria: DASA Assertion Criteria. Collection method: clinical testing. Allele origin: germline.
Comment: NM_000130.5(F5):c.3088C>T (p.Arg1030*) introduces a premature termination codon predicted to result in loss of normal protein function. Loss-of-function is an established mechanism of disease for this gene. This variant has been observed in affected individuals with related phenotype in a genotype context consistent with recessive disease (PMID: 12816860). This variant has been reported in individuals with related phenotype (PMID: 12816860). Segregation evidence has been reported in affected families. The variant is present at low frequency in population datasets. Based on the available data, this variant is classified as pathogenic.

Fulgent Genetics
Classification: Pathogenic for Thrombophilia due to activated protein C resistance; Congenital factor V deficiency; Budd-Chiari syndrome; Ischemic stroke; Pregnancy loss, recurrent, susceptibility to, 1. Last evaluated: 2024-02-28. Review status: criteria provided, single submitter. Criteria: ACMG Guidelines, 2015. Collection method: clinical testing. Allele origin: germline.

Labcorp Genetics (formerly Invitae), Labcorp
Classification: Pathogenic for Congenital factor V deficiency. Last evaluated: 2024-02-16. Review status: criteria provided, single submitter. Criteria: Invitae Variant Classification Sherloc (09022015). Collection method: clinical testing. Allele origin: germline.
Comment: This sequence change creates a premature translational stop signal (p.Arg1030*) in the F5 gene. It is expected to result in an absent or disrupted protein product. Loss-of-function variants in F5 are known to be pathogenic (PMID: 30924984). This variant is present in population databases (rs780253174, gnomAD 0.006%). This premature translational stop signal has been observed in individual(s) with clinical features of factor V deficiency (PMID: 12816860, 31399523). This variant is also known as p.Arg1002ter. For these reasons, this variant has been classified as Pathogenic.

PreventionGenetics, part of Exact Sciences
Classification: Likely pathogenic for F5-related condition. Last evaluated: 2024-08-23. Review status: no assertion criteria provided. Collection method: clinical testing. Allele origin: germline. Not counted in ClinVar's aggregate classification.
Comment: The F5 c.3088C>T variant is predicted to result in premature protein termination (p.Arg1030*). This variant was reported in the compound heterozygous state in an individual with Factor V deficiency (Reported as p.Arg1002* in Patient 6, Montefusco et al. 2003. PubMed ID: 12816860). This variant is reported in 0.0065% of alleles in individuals of South Asian descent in gnomAD. Nonsense variants in F5 are expected to be pathogenic. This variant is interpreted as likely pathogenic.

Literature cited by the submitters: PubMed 12816860 (cited by Dasa and Labcorp Genetics (formerly Invitae), Labcorp); PubMed 30924984 (cited by Labcorp Genetics (formerly Invitae), Labcorp); PubMed 31399523 (cited by Labcorp Genetics (formerly Invitae), Labcorp).